The following is an entry in ClinVar:

ClinVar aggregate classification (germline): Benign. Review status: reviewed by expert panel (3 of 4 stars). 14 submissions from 13 submitters: Benign (1). 13 of the submissions do not count toward it. Last evaluated 2015-01-12.

Conditions:
Hereditary cancer-predisposing syndrome. Also called: Tumor predisposition; Hereditary Cancer Syndrome; Neoplastic Syndromes, Hereditary; Hereditary neoplastic syndrome. Identifiers: Orphanet 140162, MedGen C0027672, MeSH D009386, MONDO:0015356.
Hereditary breast ovarian cancer syndrome. Also called: Hereditary breast and ovarian cancer; Hereditary breast and/or ovarian cancer syndrome; BRCA1- and BRCA2-Associated Hereditary Breast and Ovarian Cancer; Hereditary breast and ovarian cancer syndrome; Hereditary breast and ovarian cancer syndrome (HBOC); Breast and ovarian cancer. Identifiers: Orphanet 145, MedGen C0677776, MeSH D061325, MONDO:0003582. Disease mechanism: loss of function.
Breast-ovarian cancer, familial, susceptibility to, 2 (BROVCA2). Also called: BRCA2 Hereditary Breast and Ovarian Cancer. Identifiers: Orphanet 145, MedGen C2675520, MONDO:0012933, OMIM 612555. Disease mechanism: loss of function.
Familial cancer of breast. Also called: BREAST CANCER, FAMILIAL; Hereditary breast cancer; hereditary breast carcinoma. Identifiers: Orphanet 227535, MedGen C0346153, MONDO:0016419, OMIM 114480. Disease mechanism: loss of function.

Allele frequency attached by ClinVar (database versions not stated): gnomAD 0.03705 and 0.04105; TOPMed 0.04251; 1000 Genomes Project 0.07428; 1000 Genomes Project 30x 0.07464.
gnomAD v4.1: 52,480 of 1,200,608 alleles (4.4%); highest among the groups gnomAD compares: East Asian, 12%; 1,783 homozygotes.

Submissions (14):

Evidence-based Network for the Interpretation of Germline Mutant Alleles (ENIGMA)
Classification: Benign for Breast-ovarian cancer, familial 2. Last evaluated: 2015-01-12. Review status: reviewed by expert panel. Criteria: ENIGMA BRCA1/2 Classification Criteria (2015). Collection method: curation. Allele origin: germline.
Comment: Class 1 not pathogenic based on frequency >1% in an outbred sampleset. Frequency 0.1049 (Asian), 0.01423 (African), 0.03694 (European), derived from 1000 genomes (2012-04-30).

KCCC/NGS Laboratory, Kuwait Cancer Control Center
Classification: Benign for Familial cancer of breast. Last evaluated: 2025-02-01. Review status: criteria provided, single submitter. Criteria: ACMG Guidelines, 2015. Collection method: clinical testing. Allele origin: germline. Affected: no. Not counted in ClinVar's aggregate classification.

KCCC/NGS Laboratory, Kuwait Cancer Control Center
Classification: Benign for Breast-ovarian cancer, familial, susceptibility to, 2. Last evaluated: 2023-07-07. Review status: criteria provided, single submitter. Criteria: ACMG Guidelines, 2015. Collection method: clinical testing. Allele origin: germline. Affected: yes. Not counted in ClinVar's aggregate classification.

National Health Laboratory Service, Universitas Academic Hospital and University of the Free State
Classification: Benign for Hereditary breast ovarian cancer syndrome. Last evaluated: 2022-04-19. Review status: criteria provided, single submitter. Criteria: ACMG Guidelines, 2015. Collection method: clinical testing. Allele origin: germline. Affected: yes. Observed: 81 variant alleles. Not counted in ClinVar's aggregate classification.

GeneKor MSA
Classification: Benign. Last evaluated: 2017-11-01. Review status: criteria provided, single submitter. Criteria: ACMG Guidelines, 2015. Collection method: clinical testing. Allele origin: germline. Affected: yes. Not counted in ClinVar's aggregate classification.

GeneDx
Classification: Benign. Last evaluated: 2015-03-03. Review status: criteria provided, single submitter. Criteria: GeneDx Variant Classification Process June 2021. Collection method: clinical testing. Allele origin: germline. Affected: yes. Not counted in ClinVar's aggregate classification.

Ambry Genetics
Classification: Benign for Hereditary cancer-predisposing syndrome. Last evaluated: 2014-11-19. Review status: criteria provided, single submitter. Criteria: Ambry Variant Classification Scheme 2023. Collection method: clinical testing. Allele origin: germline. Not counted in ClinVar's aggregate classification.

Genome Diagnostics Laboratory, University Medical Center Utrecht
Classification: Benign for Breast-ovarian cancer, familial, susceptibility to, 2. Last evaluated: 2014-10-09. Review status: criteria provided, single submitter. Criteria: ACGS Guidelines, 2013. Collection method: clinical testing. Allele origin: germline. Affected: yes. Study: VKGL Data-share Consensus. Not counted in ClinVar's aggregate classification.

Breakthrough Genomics
Classification: Benign. Review status: criteria provided, single submitter. Criteria: ACMG Guidelines, 2015. Collection method: not provided. Allele origin: germline. Inheritance: Autosomal recessive inheritance. Affected: yes. Not counted in ClinVar's aggregate classification.

Department of Pathology and Laboratory Medicine, Sinai Health System
Classification: Benign. Review status: criteria provided, single submitter. Criteria: ACMG Guidelines, 2015. Collection method: clinical testing. Allele origin: germline. Affected: yes. Study: The Canadian Open Genetics Repository (COGR). Not counted in ClinVar's aggregate classification.

GreenArray Genomic Research & Solutions of Accurate Diagnostic Private Limited
Classification: Benign for Breast-ovarian cancer, familial, susceptibility to, 2. Review status: criteria provided, single submitter. Criteria: ACMG Guidelines, 2015. Collection method: clinical testing. Allele origin: germline. Affected: no. Not counted in ClinVar's aggregate classification.

Breast Cancer Information Core (BIC) (BRCA2)
Classification: Uncertain significance for Breast-ovarian cancer, familial 2. Last evaluated: 2010-12-17. Review status: no assertion criteria provided. Collection method: clinical testing. Allele origin: germline. Affected: yes. Observed: 34 variant alleles. Not counted in ClinVar's aggregate classification.

Clinical Genetics Laboratory, Department of Pathology, Netherlands Cancer Institute
Classification: Benign. Review status: no assertion criteria provided. Collection method: clinical testing. Allele origin: germline. Affected: yes. Study: VKGL Data-share Consensus. Not counted in ClinVar's aggregate classification.

Joint Genome Diagnostic Labs from Nijmegen and Maastricht, Radboudumc and MUMC+
Classification: Benign. Review status: no assertion criteria provided. Collection method: clinical testing. Allele origin: germline. Affected: yes. Study: VKGL Data-share Consensus. Not counted in ClinVar's aggregate classification.

Literature cited by the submitters: DOI 10.3389/fgene.2022.834265 (cited by National Health Laboratory Service, Universitas Academic Hospital and University of the Free State).

NM_000059.4(BRCA2):c.425+67A>C

Gene: BRCA2 (BRCA2 DNA repair associated; plus strand). Cytogenetic location: 13q13.1.
Variant type: single nucleotide variant.
Coding change: c.425+67A>C on transcript NM_000059.4 (MANE Select); 67 bases into the intron after coding-DNA position 425, A replaced by C.
Molecular consequence: intron variant.
Genome position (GRCh38, 1-based): chr13:32,325,251, A>C. VCF-style: chr13-32325251-A-C. GRCh37 (hg19) VCF-style: chr13-32899388-A-C.
Other names: IVS4+67A>C; IVS 4+67A>C.
Identifiers: ClinVar variation 126095 (VCV000126095.27), dbSNP rs11571610, ClinGen allele CA019801.